The following is an entry in ClinVar:

NC_000009.12:g.35658075A>G

Gene: RMRP (RNA component of mitochondrial RNA processing endoribonuclease; minus strand). Cytogenetic location: 9p13.3.
Variant type: single nucleotide variant.
Genome position: GRCh38 VCF-style: chr9-35658075-A-G. GRCh37 (hg19) VCF-style: chr9-35658072-A-G.
Identifiers: ClinVar variation 138920 (VCV000138920.16), dbSNP rs3829077, ClinGen allele CA293094.
Genomic context (GRCh38, chr9:35,658,075, plus strand): 5'-AACCACGTCCTCAGCTTCACAGAGTAGTATTTTATAGCCCTAAAGAAATTGTGTTTTATG[A>G]TTAGGGTGAGAAAGTTGGTGGCGTGAGATTAAAAAAACCGTTTTCGGGCATAACTTTCTA-3'

ClinVar aggregate classification (germline): Benign. Review status: reviewed by expert panel (3 of 4 stars). 5 submissions from 5 submitters: Benign (1). 4 of the submissions do not count toward it. Last evaluated 2026-10-13.

Conditions:
Anauxetic dysplasia. Identifiers: Orphanet 93347, MedGen C1846796, MONDO:0011773.
Metaphyseal chondrodysplasia, McKusick type (CHH). Also called: Cartilage-hair hypoplasia; Cartilage-Hair Hypoplasia (CHH). Identifiers: Orphanet 175, MedGen C0220748, MONDO:0009595, OMIM 250250.

Allele frequency attached by ClinVar (database versions not stated): 1000 Genomes Project 0.30451; TOPMed 0.25888; 1000 Genomes Project 30x 0.29669.

Submissions (5):

ClinGen Severe Combined Immunodeficiency Variant Curation Expert Panel, ClinGen
Classification: Benign for Metaphyseal chondrodysplasia, McKusick type. Last evaluated: 2026-10-13. Review status: reviewed by expert panel. Criteria: ClinGen SCID ACMG Specifications RMRP V1.3. Collection method: curation. Allele origin: germline. Inheritance: Autosomal recessive inheritance.
Comment: The variant NC_000009.12:g.35658075A>G, also known as n.-57T>C (LRG_163t1), is present in gnomAD 4.1.0 at a PopMax allele frequency of 0.5164, with [18823/36014 alleles, 4956 homozygotes] in the East Asian population, which is higher than the ClinGen SCID VCEP specified for BA1 threshold of >0.00400 and therefore meets this criterion (BA1). In summary, this variant meets the criteria to be classified as Benign for autosomal recessive cartilage-hair hypoplasia based on the ACMG/AMP criteria applied, as specified by the ClinGen SCID VCEP: BA1 (VCEP specifications version 1.3).

Women's Health and Genetics/Laboratory Corporation of America, LabCorp
Classification: Benign. Last evaluated: 2026-05-04. Review status: criteria provided, single submitter. Criteria: LabCorp Variant Classification Summary - May 2015. Collection method: clinical testing. Allele origin: germline. Not counted in ClinVar's aggregate classification.
Comment: Variant summary: RMRP n.-57T>C (also known as NC_000009.11: chr9:g.35658072A>G) is located in the untranscribed region upstream of the RMRP gene region. The variant allele was found at a frequency of 0.32 in 612430 control chromosomes in the gnomAD database, including 32670 homozygotes. The observed variant frequency exceeds the estimated maximal expected allele frequency for disease-causing variants in RMRP. To our knowledge, no experimental evidence demonstrating an impact on RNA function has been reported. ClinVar contains an entry for this variant (Variation ID: 138920). Based on the evidence outlined above, the variant was classified as benign.

Labcorp Genetics (formerly Invitae), Labcorp
Classification: Benign for Anauxetic dysplasia. Last evaluated: 2026-02-04. Review status: criteria provided, single submitter. Criteria: Invitae Variant Classification Sherloc (09022015). Collection method: clinical testing. Allele origin: germline. Not counted in ClinVar's aggregate classification.

ARUP Laboratories, Molecular Genetics and Genomics, ARUP Laboratories
Classification: Benign. Last evaluated: 2025-07-28. Review status: criteria provided, single submitter. Criteria: ARUP Molecular Germline Variant Investigation Process 2024. Collection method: clinical testing. Allele origin: germline. Not counted in ClinVar's aggregate classification.

Breakthrough Genomics
Classification: Benign. Review status: criteria provided, single submitter. Criteria: ACMG Guidelines, 2015. Collection method: not provided. Allele origin: germline. Inheritance: Autosomal recessive inheritance. Affected: yes. Not counted in ClinVar's aggregate classification.